The following is an entry in ClinVar:

NM_000465.4(BARD1):c.926C>A (p.Thr309Lys)

Gene: BARD1 (BRCA1 associated RING domain 1; minus strand). Cytogenetic location: 2q35.
Variant type: single nucleotide variant.
Coding change: c.926C>A on transcript NM_000465.4 (MANE Select); coding-DNA position 926, C replaced by A.
Protein change: p.Thr309Lys; replaces threonine 309 with lysine.
Molecular consequence: missense variant. On other transcripts: non-coding transcript variant (2), intron variant (3).
Genome position (GRCh38, 1-based): chr2:214,780,948, G>T on the plus strand (C>A on the coding strand, the complement: BARD1 is on the minus strand). VCF-style: chr2-214780948-G-T. GRCh37 (hg19) VCF-style: chr2-215645672-G-T.
Other names: c.869C>A, p.Thr290Lys (NM_001282543.2); c.159-28393C>A (NM_001282548.2); c.215+16113C>A (NM_001282545.2); c.364+11349C>A (NM_001282549.2); short protein forms T309K, T290K.
Identifiers: ClinVar variation 565510 (VCV000565510.15), dbSNP rs1236791029, ClinGen allele CA350455020.

ClinVar aggregate classification (germline): Uncertain significance. Review status: criteria provided, multiple submitters, no conflicts (2 of 4 stars). 3 submissions from 3 submitters: Uncertain significance (3). Last evaluated 2024-12-08.

Conditions:
Hereditary cancer-predisposing syndrome. Also called: Hereditary neoplastic syndrome; Neoplastic Syndromes, Hereditary; Tumor predisposition; Hereditary Cancer Syndrome. Identifiers: Orphanet 140162, MedGen C0027672, MeSH D009386, MONDO:0015356.
Familial cancer of breast. Also called: hereditary breast carcinoma; Hereditary breast cancer; BREAST CANCER, FAMILIAL. Identifiers: Orphanet 227535, MedGen C0346153, MONDO:0016419, OMIM 114480. Disease mechanism: loss of function.

gnomAD v4.1: 2 of 1,613,790 alleles (0.00012%); highest among the groups gnomAD compares: Non-Finnish European, 0.00017%; no homozygotes.

Submissions (3):

Ambry Genetics
Classification: Uncertain significance for Hereditary cancer-predisposing syndrome. Last evaluated: 2024-12-08. Review status: criteria provided, single submitter. Criteria: Ambry Variant Classification Scheme 2023. Collection method: clinical testing. Allele origin: germline.
Comment: The p.T309K variant (also known as c.926C>A), located in coding exon 4 of the BARD1 gene, results from a C to A substitution at nucleotide position 926. The threonine at codon 309 is replaced by lysine, an amino acid with similar properties. This amino acid position is not well conserved in available vertebrate species. In addition, this alteration is predicted to be tolerated by in silico analysis. Since supporting evidence is limited at this time, the clinical significance of this alteration remains unclear.

Labcorp Genetics (formerly Invitae), Labcorp
Classification: Uncertain significance for Familial cancer of breast. Last evaluated: 2024-05-13. Review status: criteria provided, single submitter. Criteria: Invitae Variant Classification Sherloc (09022015). Collection method: clinical testing. Allele origin: germline.
Comment: This sequence change replaces threonine, which is neutral and polar, with lysine, which is basic and polar, at codon 309 of the BARD1 protein (p.Thr309Lys). This variant is not present in population databases (gnomAD no frequency). This variant has not been reported in the literature in individuals affected with BARD1-related conditions. ClinVar contains an entry for this variant (Variation ID: 565510). Algorithms developed to predict the effect of missense changes on protein structure and function output the following: SIFT: "Not Available"; PolyPhen-2: "Benign"; Align-GVGD: "Not Available". The lysine amino acid residue is found in multiple mammalian species, which suggests that this missense change does not adversely affect protein function. In summary, the available evidence is currently insufficient to determine the role of this variant in disease. Therefore, it has been classified as a Variant of Uncertain Significance.

GeneDx
Classification: Uncertain significance. Last evaluated: 2019-10-16. Review status: criteria provided, single submitter. Criteria: GeneDx Variant Classification Process June 2021. Collection method: clinical testing. Allele origin: germline. Affected: yes.
Comment: Not observed in large population cohorts (Lek 2016); In silico analysis, which includes protein predictors and evolutionary conservation, supports that this variant does not alter protein structure/function; Has not been previously published as pathogenic or benign to our knowledge